The following is an entry in ClinVar:

ClinVar aggregate classification (germline): Uncertain significance. Review status: criteria provided, multiple submitters, no conflicts (2 of 4 stars). 3 submissions from 3 submitters: Uncertain significance (3). Last evaluated 2025-09-03.

Conditions:
Infantile cerebellar-retinal degeneration (ICRD). Identifiers: Orphanet 313850, MedGen C3281192, MONDO:0013802, OMIM 614559.

Submissions (3):

GeneDx
Classification: Uncertain significance. Last evaluated: 2025-09-03. Review status: criteria provided, single submitter. Criteria: GeneDx Variant Classification Process June 2021. Collection method: clinical testing. Allele origin: germline.
Comment: Not observed at significant frequency in large population cohorts (gnomAD); In silico analysis supports that this missense variant has a deleterious effect on protein structure/function; Has not been previously published as pathogenic or benign to our knowledge

Baylor Genetics
Classification: Uncertain significance for Infantile cerebellar-retinal degeneration. Last evaluated: 2023-01-01. Review status: criteria provided, single submitter. Criteria: ACMG Guidelines, 2015. Collection method: clinical testing. Allele origin: unknown.

ARUP Laboratories, Molecular Genetics and Genomics, ARUP Laboratories
Classification: Uncertain significance. Review status: criteria provided, single submitter. Criteria: ARUP Molecular Germline Variant Investigation Process 2024. Collection method: clinical testing. Allele origin: germline.
Comment: The ACO2 c.1940C>G; p.Ala647Gly variant, to our knowledge, is not reported in the medical literature, but is reported in ClinVar (Variation ID: 2582321). This variant is absent from the Genome Aggregation Database (v2.1.1), indicating it is not a common polymorphism. Computational analyses are uncertain whether this variant is neutral or deleterious (REVEL: 0.433). However, given the lack of clinical and functional data, the significance of this variant is uncertain at this time.

NM_001098.3(ACO2):c.1940C>G (p.Ala647Gly)

Genes: ACO2 (aconitase 2; plus strand), POLR3H (RNA polymerase III subunit H; minus strand). Cytogenetic location: 22q13.2.
Variant type: single nucleotide variant.
Coding change: c.1940C>G on transcript NM_001098.3 (MANE Select); coding-DNA position 1940, C replaced by G.
Protein change: p.Ala647Gly; replaces alanine 647 with glycine.
Molecular consequence: missense variant. On other transcripts: 3 prime UTR variant (5).
Genome position (GRCh38, 1-based): chr22:41,526,440, C>G. VCF-style: chr22-41526440-C-G. GRCh37 (hg19) VCF-style: chr22-41922444-C-G.
Other names: c.*2843G>C (NM_001018050.4, NM_001018052.4, NM_001282884.2 and 2 more transcripts); short protein forms A647G.
Identifiers: ClinVar variation 2582321 (VCV002582321.4), dbSNP rs2518236664, ClinGen allele CA411728742.